The following is an entry in ClinVar:

NM_002206.3(ITGA7):c.911G>A (p.Arg304His)

Gene: ITGA7 (integrin subunit alpha 7; minus strand). Cytogenetic location: 12q13.2.
Variant type: single nucleotide variant.
Coding change: c.911G>A on transcript NM_002206.3 (MANE Select); coding-DNA position 911, G replaced by A.
Protein change: p.Arg304His; replaces arginine 304 with histidine.
Molecular consequence: missense variant. On other transcripts: 5 prime UTR variant (1).
Genome position (GRCh38, 1-based): chr12:55,698,797, C>T on the plus strand (G>A on the coding strand, the complement: ITGA7 is on the minus strand). VCF-style: chr12-55698797-C-T. GRCh37 (hg19) VCF-style: chr12-56092581-C-T.
Other names: c.923G>A, p.Arg308His (NM_001144996.2, NM_001414029.1, NM_001414030.1); c.632G>A, p.Arg211His (NM_001144997.2); c.584G>A, p.Arg195His (NM_001367993.1); c.-382G>A (NM_001367994.1); c.911G>A, p.Arg304His (NM_001374465.1, NM_001414031.1, NM_001414034.1); c.1043G>A, p.Arg348His (NM_001410977.1); c.791G>A, p.Arg264His (NM_001414032.1); c.728G>A, p.Arg243His (NM_001414033.1); and 1 more; short protein forms R211H, R304H, R308H, R195H, R348H, R191H, R243H, R264H.
Identifiers: ClinVar variation 1429811 (VCV001429811.5), dbSNP rs768455364, ClinGen allele CA6616112.
Genomic context (GRCh38, chr12:55,698,797, plus strand): 5'-AGTGAGTAGCCAAAGCCGGAGGTCAGGCGCTCCCCAGACAGCATAACCTCGGGCACCAGG[C>T]GACTGGCGCTGTCCTTGCGCAGGATGACCACAGCACCCTTGTGGTTGGCGCGGGGGGCTC-3'
Protein context (NP_002197.2, residues 294-314): VVILRKDSAS[Arg304His]LVPEVMLSGE

ClinVar aggregate classification (germline): Uncertain significance. Review status: criteria provided, multiple submitters, no conflicts (2 of 4 stars). 2 submissions from 2 submitters: Uncertain significance (2). Last evaluated 2023-05-15.

Conditions:
Congenital muscular dystrophy due to integrin alpha-7 deficiency. Also called: MYOPATHY, CONGENITAL, DUE TO INTEGRIN ALPHA-7 DEFICIENCY; Congenital muscular dystrophy with integrin alpha-7 deficiency; Muscular dystrophy, congenital, due to ITGA7 deficiency. Identifiers: Orphanet 34520, MedGen C2750786, MONDO:0013177, OMIM 613204.

Allele frequency attached by ClinVar (database versions not stated): gnomAD 0.00002 and 0.00003.
gnomAD v4.1: 31 of 1,614,006 alleles (0.0019%); highest among the groups gnomAD compares: South Asian, 0.024%; no homozygotes.

Submissions (2):

Revvity Omics, Revvity
Classification: Uncertain significance for Congenital muscular dystrophy due to integrin alpha-7 deficiency. Last evaluated: 2023-05-15. Review status: criteria provided, single submitter. Criteria: ACMG Guidelines, 2015. Collection method: clinical testing. Allele origin: germline.

Labcorp Genetics (formerly Invitae), Labcorp
Classification: Uncertain significance for Congenital muscular dystrophy due to integrin alpha-7 deficiency. Last evaluated: 2021-11-26. Review status: criteria provided, single submitter. Criteria: Invitae Variant Classification Sherloc (09022015). Collection method: clinical testing. Allele origin: germline.
Comment: This sequence change replaces arginine, which is basic and polar, with histidine, which is basic and polar, at codon 304 of the ITGA7 protein (p.Arg304His). This variant is present in population databases (rs768455364, gnomAD 0.02%). This variant has not been reported in the literature in individuals affected with ITGA7-related conditions. Algorithms developed to predict the effect of missense changes on protein structure and function are either unavailable or do not agree on the potential impact of this missense change (SIFT: "Tolerated"; PolyPhen-2: "Probably Damaging"; Align-GVGD: "Class C0"). In summary, the available evidence is currently insufficient to determine the role of this variant in disease. Therefore, it has been classified as a Variant of Uncertain Significance.